The following is an entry in ClinVar:

NC_000016.10:g.(89738709_89738881)_(89752223_89758576)del

Genes: FANCA (FA complementation group A; minus strand), ZNF276 (zinc finger protein 276; plus strand). Cytogenetic location: 16q24.3.
Variant type: Deletion.
Identifiers: ClinVar variation 974155 (VCV000974155.1).

ClinVar aggregate classification (germline): Uncertain significance (0 of 4 stars; one submission).

Conditions:
Fanconi anemia complementation group A (FANCA). Also called: Fanconi anemia, group A; FANCA-Related Fanconi Anemia. Identifiers: Orphanet 84, MedGen C3469521, MONDO:0009215, OMIM 227650.

Submission:

Leiden Open Variation Database
Classification: Uncertain significance for Fanconi anemia complementation group A. Last evaluated: 2020-02-28. Review status: no assertion criteria provided. Collection method: curation. Allele origin: germline. Affected: yes.
Comment: Curator: Arleen D. Auerbach. Submitter to LOVD: Arleen D. Auerbach.